The following is an entry in ClinVar:

ClinVar aggregate classification (germline): Uncertain significance (1 of 4 stars; one submission).

Submission:

CeGaT Center for Human Genetics Tuebingen
Classification: Uncertain significance. Last evaluated: 2023-02-01. Review status: criteria provided, single submitter. Criteria: CeGaT Center For Human Genetics Tuebingen Variant Classification Criteria Version 2. Collection method: clinical testing. Allele origin: germline. Affected: yes. Observed: 1 variant allele.
Comment: SETD1B: PM2, PP2, BP4

NM_001353345.2(SETD1B):c.4126A>G (p.Thr1376Ala)

Gene: SETD1B (SET domain containing 1B, histone lysine methyltransferase; plus strand). Cytogenetic location: 12q24.31.
Variant type: single nucleotide variant.
Coding change: c.4126A>G on transcript NM_001353345.2 (MANE Select); coding-DNA position 4126, A replaced by G.
Protein change: p.Thr1376Ala; replaces threonine 1376 with alanine.
Molecular consequence: missense variant.
Genome position (GRCh38, 1-based): chr12:121,822,705, A>G. VCF-style: chr12-121822705-A-G. GRCh37 (hg19) VCF-style: chr12-122260611-A-G.
Other names: short protein forms T1376A.
Identifiers: ClinVar variation 2643468 (VCV002643468.24), dbSNP rs1876623209, ClinGen allele CA386998391.